The following is an entry in ClinVar:

NM_138694.4(PKHD1):c.8948C>A (p.Ser2983Ter)

Gene: PKHD1 (PKHD1 ciliary IPT domain containing fibrocystin/polyductin; minus strand). Cytogenetic location: 6p12.3.
Variant type: single nucleotide variant.
Coding change: c.8948C>A on transcript NM_138694.4 (MANE Select); coding-DNA position 8948, C replaced by A.
Protein change: p.Ser2983Ter; replaces serine 2983 with a stop codon.
Molecular consequence: nonsense.
Genome position (GRCh38, 1-based): chr6:51,753,203, G>T on the plus strand (C>A on the coding strand, the complement: PKHD1 is on the minus strand). VCF-style: chr6-51753203-G-T. GRCh37 (hg19) VCF-style: chr6-51618001-G-T.
Other names: c.8948C>A, p.Ser2983Ter (NM_170724.3); short protein forms S2983*.
Identifiers: ClinVar variation 1726723 (VCV001726723.2), dbSNP rs141169758, ClinGen allele CA364426328.

ClinVar aggregate classification (germline): Likely pathogenic (1 of 4 stars; one submission).

Conditions:
Polycystic kidney disease 4 (PKD4). Also called: POLYCYSTIC KIDNEY AND HEPATIC DISEASE 1; POLYCYSTIC KIDNEY DISEASE, INFANTILE, TYPE I; POLYCYSTIC KIDNEY DISEASE 4 WITH OR WITHOUT POLYCYSTIC LIVER DISEASE; PKD3; Autosomal Recessive Polycystic Kidney Disease – PKHD1. Identifiers: MedGen C4540575, MONDO:0033004, OMIM 263200.

Submission:

Myriad Genetics, Inc.
Classification: Likely pathogenic for Polycystic kidney disease 4. Last evaluated: 2021-12-31. Review status: criteria provided, single submitter. Criteria: Myriad Women's Health Autosomal Recessive and X-Linked Classification Criteria (2021). Collection method: clinical testing. Allele origin: unknown.
Comment: NM_138694.3(PKHD1):c.8948C>A(S2983*) is expected to be pathogenic in the context of autosomal recessive polycystic kidney disease, PKHD1-related. This variant is predicted to lead to an abnormal or absent protein product due to the creation of a premature termination codon in PKHD1, a gene where loss-of-function variants are known to be pathogenic. Please note: this variant was assessed in the context of healthy population screening.